The following is an entry in ClinVar:

NM_006922.4(SCN3A):c.5065A>G (p.Met1689Val)

Gene: SCN3A (sodium voltage-gated channel alpha subunit 3; minus strand). Cytogenetic location: 2q24.3.
Variant type: single nucleotide variant.
Coding change: c.5065A>G on transcript NM_006922.4 (MANE Select); coding-DNA position 5065, A replaced by G.
Protein change: p.Met1689Val; replaces methionine 1689 with valine.
Molecular consequence: missense variant.
Genome position (GRCh38, 1-based): chr2:165,091,088, T>C on the plus strand (A>G on the coding strand, the complement: SCN3A is on the minus strand). VCF-style: chr2-165091088-T-C. GRCh37 (hg19) VCF-style: chr2-165947598-T-C.
Other names: c.4918A>G, p.Met1640Val (NM_001081676.2, NM_001081677.2); c.5065A>G (NM_006922.3); short protein forms M1640V, M1689V.
Identifiers: ClinVar variation 1715025 (VCV001715025.6), dbSNP rs2468041163, ClinGen allele CA349017400.

ClinVar aggregate classification (germline): Uncertain significance. Review status: criteria provided, multiple submitters, no conflicts (2 of 4 stars). 2 submissions from 2 submitters: Uncertain significance (2). Last evaluated 2023-05-10.

Allele frequency attached by ClinVar (database versions not stated): gnomAD exomes below 0.00001.

Submissions (2):

GeneDx
Classification: Uncertain significance. Last evaluated: 2023-05-10. Review status: criteria provided, single submitter. Criteria: GeneDx Variant Classification Process June 2021. Collection method: clinical testing. Allele origin: germline. Affected: yes.
Comment: Not observed at significant frequency in large population cohorts (gnomAD); In silico analysis supports that this missense variant has a deleterious effect on protein structure/function; Has not been previously published as pathogenic or benign to our knowledge

Labcorp Genetics (formerly Invitae), Labcorp
Classification: Uncertain significance. Last evaluated: 2022-10-06. Review status: criteria provided, single submitter. Criteria: Invitae Variant Classification Sherloc (09022015). Collection method: clinical testing. Allele origin: germline.
Comment: In summary, the available evidence is currently insufficient to determine the role of this variant in disease. Therefore, it has been classified as a Variant of Uncertain Significance. Algorithms developed to predict the effect of missense changes on protein structure and function (SIFT, PolyPhen-2, Align-GVGD) all suggest that this variant is likely to be tolerated. This variant has not been reported in the literature in individuals affected with SCN3A-related conditions. This variant is not present in population databases (gnomAD no frequency). This sequence change replaces methionine, which is neutral and non-polar, with valine, which is neutral and non-polar, at codon 1689 of the SCN3A protein (p.Met1689Val).